The following is an entry in ClinVar:

ClinVar aggregate classification (germline): Uncertain significance (1 of 4 stars; one submission).

Submission:

Labcorp Genetics (formerly Invitae), Labcorp
Classification: Uncertain significance. Last evaluated: 2023-07-19. Review status: criteria provided, single submitter. Criteria: Invitae Variant Classification Sherloc (09022015). Collection method: clinical testing. Allele origin: germline.
Comment: In summary, the available evidence is currently insufficient to determine the role of this variant in disease. Therefore, it has been classified as a Variant of Uncertain Significance. An algorithm developed to predict the effect of missense changes on protein structure and function (PolyPhen-2) suggests that this variant is likely to be disruptive. This variant has not been reported in the literature in individuals affected with MICAL1-related conditions. This variant is not present in population databases (gnomAD no frequency). This sequence change replaces lysine, which is basic and polar, with glutamic acid, which is acidic and polar, at codon 134 of the MICAL1 protein (p.Lys134Glu).

NM_022765.4(MICAL1):c.343A>G (p.Lys115Glu)

Gene: MICAL1 (microtubule associated monooxygenase, calponin and LIM domain containing 1; minus strand). Cytogenetic location: 6q21.
Variant type: single nucleotide variant.
Coding change: c.343A>G on transcript NM_022765.4 (MANE Select); coding-DNA position 343, A replaced by G.
Protein change: p.Lys115Glu; replaces lysine 115 with glutamic acid.
Molecular consequence: missense variant.
Genome position (GRCh38, 1-based): chr6:109,453,761, T>C on the plus strand (A>G on the coding strand, the complement: MICAL1 is on the minus strand). VCF-style: chr6-109453761-T-C. GRCh37 (hg19) VCF-style: chr6-109774964-T-C.
Other names: c.343A>G, p.Lys115Glu (NM_001159291.2); c.400A>G, p.Lys134Glu (NM_001286613.2); short protein forms K115E, K134E.
Identifiers: ClinVar variation 2745083 (VCV002745083.3), dbSNP rs2482815332, ClinGen allele CA365233504.
Genomic context (GRCh38, chr6:109,453,761, plus strand): 5'-GGTCGTGGATGGTGAAGGGCCAGAGGTGGAGCACGTTGTGGCGAGAGAACTTGGTGCGCT[T>C]TTCCACCAGCACCACTCGGGCCCCCAGCAGCGCCAGCTCCACAGCGACCCGCAGCCCGCA-3'
Protein context (NP_073602.3, residues 105-125): LLGARVVLVE[Lys115Glu]RTKFSRHNVL